The following is an entry in ClinVar:

ClinVar aggregate classification (germline): Uncertain significance (1 of 4 stars; one submission).

gnomAD v4.1: 2 of 1,613,954 alleles (0.00012%); highest among the groups gnomAD compares: African/African-American, 0.0027%; no homozygotes.

Submission:

GeneDx
Classification: Uncertain significance. Last evaluated: 2023-08-03. Review status: criteria provided, single submitter. Criteria: GeneDx Variant Classification Process June 2021. Collection method: clinical testing. Allele origin: germline. Affected: yes.
Comment: Not observed at significant frequency in large population cohorts (gnomAD); In silico analysis supports that this missense variant does not alter protein structure/function; Has not been previously published as pathogenic or benign to our knowledge

NM_182931.3(KMT2E):c.4354A>G (p.Lys1452Glu)

Gene: KMT2E (lysine methyltransferase 2E (inactive); plus strand). Cytogenetic location: 7q22.3.
Variant type: single nucleotide variant.
Coding change: c.4354A>G on transcript NM_182931.3 (MANE Select); coding-DNA position 4354, A replaced by G.
Protein change: p.Lys1452Glu; replaces lysine 1452 with glutamic acid.
Molecular consequence: missense variant.
Genome position (GRCh38, 1-based): chr7:105,112,110, A>G. VCF-style: chr7-105112110-A-G. GRCh37 (hg19) VCF-style: chr7-104752557-A-G.
Other names: c.4228A>G, p.Lys1410Glu (NM_001410908.1); c.4354A>G, p.Lys1452Glu (NM_018682.4); short protein forms K1410E, K1452E.
Identifiers: ClinVar variation 3361328 (VCV003361328.1).